The following is an entry in ClinVar:

ClinVar aggregate classification (germline): Pathogenic (0 of 4 stars; one submission).

Conditions:
Hereditary insensitivity to pain with anhidrosis (CIPA). Also called: hereditary sensory and autonomic neuropathy type 4; FAMILIAL DYSAUTONOMIA, TYPE II; NTRK1 Congenital Insensitivity to Pain with Anhidrosis; INSENSITIVITY TO PAIN, CONGENITAL, WITH ANHIDROSIS; HSAN Type IV; NEUROPATHY, CONGENITAL SENSORY, WITH ANHIDROSIS. Identifiers: Orphanet 642, MedGen C0020074, MONDO:0009746, OMIM 256800.

Submission:

GeneReviews
Classification: Pathogenic for Hereditary Sensory and Autonomic Neuropathy Type IV. Last evaluated: 2008-08-05. Review status: no assertion criteria provided. Collection method: curation. Allele origin: unknown.
ClinVar note: Converted during submission from pathologic to Pathogenic.

NM_002529.4(NTRK1):c.1354+13_1634del

Gene: NTRK1 (neurotrophic receptor tyrosine kinase 1; plus strand). Cytogenetic location: 1q23.1.
Variant type: Deletion.
Coding change: c.1354+13_1634del on transcript NM_002529.4 (MANE Select); 13 bases into the intron after coding-DNA position 1354 through coding-DNA position 1634, 1,381 bases deleted.
Molecular consequence: splice acceptor variant, splice donor variant.
Genome position (GRCh38, 1-based): chr1:156,875,021-156,876,401, 1,381 bases deleted. GRCh37 (hg19): chr1:156,844,813-156,846,193.
Other names: 1381-bp deletion; c.1246+13_1526del (NM_001007792.1); c.1336+13_1616del (NM_001012331.2).
Identifiers: ClinVar variation 65491 (VCV000065491.3), ClinGen allele CA344803.